The following is an entry in ClinVar:

ClinVar aggregate classification (germline): Likely pathogenic. Review status: criteria provided, multiple submitters, no conflicts (2 of 4 stars). 2 submissions from 2 submitters: Likely pathogenic (2). Last evaluated 2024-10-28.

Conditions:
Hereditary cancer-predisposing syndrome. Also called: Neoplastic Syndromes, Hereditary; Tumor predisposition; Hereditary Cancer Syndrome; Hereditary neoplastic syndrome. Identifiers: Orphanet 140162, MedGen C0027672, MeSH D009386, MONDO:0015356.
BAP1-related tumor predisposition syndrome (TPDS1). Also called: Tumor susceptibility linked to germline BAP1 mutations; BAP1 tumor predisposition syndrome; COMMON Syndrome; TUMOR PREDISPOSITION SYNDROME 1. Identifiers: Orphanet 289539, MedGen C3280492, MONDO:0013692, OMIM 614327.

Submissions (2):

Ambry Genetics
Classification: Likely pathogenic for Hereditary cancer-predisposing syndrome. Last evaluated: 2024-10-28. Review status: criteria provided, single submitter. Criteria: Ambry Variant Classification Scheme 2023. Collection method: clinical testing. Allele origin: germline.
Comment: The p.G45R variant (also known as c.133G>A), located in coding exon 4 of the BAP1 gene, results from a G to A substitution at nucleotide position 133. The glycine at codon 45 is replaced by arginine, an amino acid with dissimilar properties. This variant was reported in multiple individuals with features consistent with BAP1-associated disease (Pastorino S et al. J Clin Oncol, 2018 Oct;36:JCO2018790352; Bueno R et al. Nat Genet, 2016 Apr;48:407-16; De Rienzo A et al. Cancer Res, 2016 Jan;76:319-28; Sharma A et al. Cancers (Basel), 2019 Oct;11:) This alteration was non-functional in a high throughput genome editing haploid cell survival assay (Waters AJ et al. Nat Genet, 2024 Jul;56:1434-1445). This amino acid position is highly conserved in available vertebrate species. In addition, this alteration is predicted to be deleterious by in silico analysis. Based on the majority of available evidence to date, this variant is likely to be pathogenic.

Labcorp Genetics (formerly Invitae), Labcorp
Classification: Likely pathogenic for BAP1-related tumor predisposition syndrome. Last evaluated: 2021-03-26. Review status: criteria provided, single submitter. Criteria: Invitae Variant Classification Sherloc (09022015). Collection method: clinical testing. Allele origin: germline.
Comment: This sequence change replaces glycine with arginine at codon 45 of the BAP1 protein (p.Gly45Arg). The glycine residue is highly conserved and there is a moderate physicochemical difference between glycine and arginine. This variant is not present in population databases (ExAC no frequency). This variant has been observed in individual(s) with clinical features of BAP1 tumor predisposition syndrome (Invitae). It has also been observed to segregate with disease in related individuals. ClinVar contains an entry for this variant (Variation ID: 485289). Algorithms developed to predict the effect of missense changes on protein structure and function (SIFT, PolyPhen-2, Align-GVGD) all suggest that this variant is likely to be disruptive, but these predictions have not been confirmed by published functional studies and their clinical significance is uncertain. Algorithms developed to predict the effect of sequence changes on RNA splicing suggest that this variant may create or strengthen a splice site, but this prediction has not been confirmed by published transcriptional studies. In summary, the currently available evidence indicates that the variant is pathogenic, but additional data are needed to prove that conclusively. Therefore, this variant has been classified as Likely Pathogenic.

Literature cited by the submitters: PubMed 26554828 (cited by Ambry Genetics); PubMed 26928227 (cited by Ambry Genetics); PubMed 30376426 (cited by Ambry Genetics); PubMed 31635116 (cited by Ambry Genetics); PubMed 34976173 (cited by Ambry Genetics); PubMed 38969833 (cited by Ambry Genetics).

NM_004656.4(BAP1):c.133G>A (p.Gly45Arg)

Gene: BAP1 (BRCA1 associated deubiquitinase 1; minus strand). Cytogenetic location: 3p21.1.
Variant type: single nucleotide variant.
Coding change: c.133G>A on transcript NM_004656.4 (MANE Select); coding-DNA position 133, G replaced by A.
Protein change: p.Gly45Arg; replaces glycine 45 with arginine.
Molecular consequence: missense variant.
Genome position (GRCh38, 1-based): chr3:52,408,596, C>T on the plus strand (G>A on the coding strand, the complement: BAP1 is on the minus strand). VCF-style: chr3-52408596-C-T. GRCh37 (hg19) VCF-style: chr3-52442612-C-T.
Other names: c.133G>A (LRG_529t1); short protein forms G45R.
Identifiers: ClinVar variation 485289 (VCV000485289.13), dbSNP rs1553646045, ClinGen allele CA353113768.